The following is an entry in ClinVar:

ClinVar aggregate classification (germline): Benign. Review status: criteria provided, multiple submitters, no conflicts (2 of 4 stars). 4 submissions from 4 submitters: Benign (3). 1 of the submissions does not count toward it. Last evaluated 2021-05-04.

Conditions:
DNAH17-related disorder. Also called: DNAH17-related condition.

Allele frequency attached by ClinVar (database versions not stated): 1000 Genomes Project 0.73802; 1000 Genomes Project 30x 0.74001; TOPMed 0.76342; ESP Exome Variant Server 0.76415; gnomAD 0.77600.
gnomAD v4.1: 1,212,754 of 1,596,024 alleles (76%); highest among the groups gnomAD compares: African/African-American, 79%; 461,199 homozygotes.

Submissions (4):

GeneDx
Classification: Benign. Last evaluated: 2021-05-04. Review status: criteria provided, single submitter. Criteria: GeneDx Variant Classification Process June 2021. Collection method: clinical testing. Allele origin: germline. Affected: yes.

Laboratory for Molecular Medicine, Mass General Brigham Personalized Medicine
Classification: Benign. Last evaluated: 2016-03-29. Review status: criteria provided, single submitter. Criteria: LMM Criteria. Collection method: clinical testing. Allele origin: germline.
Comment: Variant identified in a genome or exome case(s) and assessed due to predicted null impact of the variant or pathogenic assertions in the literature or databases. Disclaimer: This variant has not undergone full assessment. The following are preliminary notes: Frequency

Breakthrough Genomics
Classification: Benign. Review status: criteria provided, single submitter. Criteria: ACMG Guidelines, 2015. Collection method: not provided. Allele origin: germline. Inheritance: Autosomal recessive inheritance. Affected: yes.

PreventionGenetics, part of Exact Sciences
Classification: Benign for DNAH17-related condition. Last evaluated: 2019-10-17. Review status: no assertion criteria provided. Collection method: clinical testing. Allele origin: germline. Not counted in ClinVar's aggregate classification.
Comment: This variant is classified as benign based on ACMG/AMP sequence variant interpretation guidelines (Richards et al. 2015 PMID: 25741868, with internal and published modifications).

NM_173628.4(DNAH17):c.2547A>G (p.Leu849=)

Gene: DNAH17 (dynein axonemal heavy chain 17; minus strand). Cytogenetic location: 17q25.3.
Variant type: single nucleotide variant.
Coding change: c.2547A>G on transcript NM_173628.4 (MANE Select); coding-DNA position 2547, A replaced by G.
Protein change: p.Leu849=; no amino-acid change (leucine 849 retained).
Molecular consequence: synonymous variant.
Genome position (GRCh38, 1-based): chr17:78,539,866, T>C on the plus strand (A>G on the coding strand, the complement: DNAH17 is on the minus strand). VCF-style: chr17-78539866-T-C. GRCh37 (hg19) VCF-style: chr17-76535948-T-C.
Identifiers: ClinVar variation 402699 (VCV000402699.9), dbSNP rs7221209, ClinGen allele CA8804594.
Genomic context (GRCh38, chr17:78,539,866, plus strand): 5'-CATGTCGTCAATGTAGATGACATAATCCTTCCAGGGCAGGCTCAGTGTGTCTGCCCTGAA[T>C]AGTTCTGCGTTTTCCTGCAAACAGAAGCGCACAGTTGGGCCTCACTTCACTGGCTGTGCT-3'
Protein context (NP_775899.3, residues 839-859): IQAMVAENAE[Leu849=]FRADTLSLPW